The following is an entry in ClinVar:

NM_138694.4(PKHD1):c.6847A>G (p.Ile2283Val)

Gene: PKHD1 (PKHD1 ciliary IPT domain containing fibrocystin/polyductin; minus strand). Cytogenetic location: 6p12.2.
Variant type: single nucleotide variant.
Coding change: c.6847A>G on transcript NM_138694.4 (MANE Select); coding-DNA position 6847, A replaced by G.
Protein change: p.Ile2283Val; replaces isoleucine 2283 with valine.
Molecular consequence: missense variant.
Genome position (GRCh38, 1-based): chr6:51,904,004, T>C on the plus strand (A>G on the coding strand, the complement: PKHD1 is on the minus strand). VCF-style: chr6-51904004-T-C. GRCh37 (hg19) VCF-style: chr6-51768802-T-C.
Other names: p.Ile2283Val; c.6847A>G, p.Ile2283Val (NM_170724.3); short protein forms I2283V.
Identifiers: ClinVar variation 500145 (VCV000500145.6), dbSNP rs1554299441, ClinGen allele CA364430507.

ClinVar aggregate classification (germline): Uncertain significance. Review status: criteria provided, multiple submitters, no conflicts (2 of 4 stars). 2 submissions from 2 submitters: Uncertain significance (2). Last evaluated 2025-12-13.

Allele frequency attached by ClinVar (database versions not stated): gnomAD exomes below 0.00001.
gnomAD v4.1: 3 of 1,588,736 alleles (0.00019%); highest among the groups gnomAD compares: South Asian, 0.0033%; no homozygotes.

Submissions (2):

Mayo Clinic Laboratories, Mayo Clinic
Classification: Uncertain significance. Last evaluated: 2025-12-13. Review status: criteria provided, single submitter. Criteria: ACMG Guidelines, 2015. Collection method: clinical testing. Allele origin: germline. Observed: 1 variant allele.
Comment: BP4_moderate, PM2_supporting

Eurofins Ntd Llc (ga)
Classification: Uncertain significance. Last evaluated: 2017-02-07. Review status: criteria provided, single submitter. Criteria: EGL Classification Definitions 2015. Collection method: clinical testing. Allele origin: germline. Observed: 1 variant allele, 1 heterozygote.